The following is an entry in ClinVar:

ClinVar aggregate classification (germline): Pathogenic (1 of 4 stars; one submission).

Submission:

Labcorp Genetics (formerly Invitae), Labcorp
Classification: Pathogenic. Last evaluated: 2021-12-02. Review status: criteria provided, single submitter. Criteria: Invitae Variant Classification Sherloc (09022015). Collection method: clinical testing. Allele origin: germline.
Comment: For these reasons, this variant has been classified as Pathogenic. A similar copy number variant has been observed in individual(s) with Alport syndrome (PMID: 10561141). This variant is a gross deletion of the genomic region encompassing exon(s) 29-30 of the COL4A5 gene. This deletion is out-of-frame, and is expected to create a premature termination codon and result in an absent or disrupted protein product. Loss-of-function variants in COL4A5 are known to be pathogenic (PMID: 9195222, 10752524, 14514738, 24854265, 26809805).

Literature cited by the submitters: PubMed 10561141; PubMed 9195222; PubMed 10752524; PubMed 14514738; PubMed 24854265; PubMed 26809805.

NC_000023.10:g.(?_107849932)_(107858274_?)del

Gene: COL4A5 (collagen type IV alpha 5 chain; plus strand). Cytogenetic location: Xq22.3.
Variant type: Deletion.
Identifiers: ClinVar variation 2423169 (VCV002423169.4).